The following is an entry in ClinVar:

NM_024642.5(GALNT12):c.543G>T (p.Glu181Asp)

Gene: GALNT12 (polypeptide N-acetylgalactosaminyltransferase 12; plus strand). Cytogenetic location: 9q22.33.
Variant type: single nucleotide variant.
Coding change: c.543G>T on transcript NM_024642.5 (MANE Select); coding-DNA position 543, G replaced by T.
Protein change: p.Glu181Asp; replaces glutamic acid 181 with aspartic acid.
Molecular consequence: missense variant.
Genome position (GRCh38, 1-based): chr9:98,826,753, G>T. VCF-style: chr9-98826753-G-T. GRCh37 (hg19) VCF-style: chr9-101589035-G-T.
Other names: short protein forms E181D.
Identifiers: ClinVar variation 3227954 (VCV003227954.1), dbSNP rs1240735465, ClinGen allele CA374217230.

ClinVar aggregate classification (germline): Uncertain significance (1 of 4 stars; one submission).

Submission:

Ambry Genetics
Classification: Uncertain significance. Last evaluated: 2023-11-22. Review status: criteria provided, single submitter. Criteria: Ambry Variant Classification Scheme 2023. Collection method: clinical testing. Allele origin: germline.
Comment: The p.E181D variant (also known as c.543G>T), located in coding exon 3 of the GALNT12 gene, results from a G to T substitution at nucleotide position 543. The glutamic acid at codon 181 is replaced by aspartic acid, an amino acid with highly similar properties. This amino acid position is conserved. In addition, this alteration is predicted to be tolerated by in silico analysis. Since supporting evidence is limited at this time, the clinical significance of this alteration remains unclear.